The following is an entry in ClinVar:

ClinVar aggregate classification (germline): Uncertain significance. Review status: criteria provided, multiple submitters, no conflicts (2 of 4 stars). 5 submissions from 5 submitters: Uncertain significance (5). Last evaluated 2025-12-12.

Conditions:
Myopathy, proximal, and ophthalmoplegia (CMYO6). Also called: INCLUSION BODY MYOPATHY 3, AUTOSOMAL DOMINANT; CONGENITAL MYOPATHY 6 WITH OPHTHALMOPLEGIA; MYOPATHY WITH CONGENITAL JOINT CONTRACTURES, OPHTHALMOPLEGIA, AND RIMMED VACUOLES. Identifiers: Orphanet 363677, Orphanet 79091, MedGen C1854106, MONDO:0011577, OMIM 605637.
Inborn genetic diseases. Identifiers: MedGen C0950123, MeSH D030342.

Allele frequency attached by ClinVar (database versions not stated): gnomAD 0.00006 and 0.00009; TOPMed 0.00010; 1000 Genomes Project 30x 0.00016; gnomAD exomes 0.00017 and 0.00019; 1000 Genomes Project 0.00020; ExAC 0.00022; ESP Exome Variant Server 0.00023.
gnomAD v4.1: 284 of 1,614,134 alleles (0.018%); highest among the groups gnomAD compares: Middle Eastern, 0.18%; 1 homozygote.

Submissions (5):

Labcorp Genetics (formerly Invitae), Labcorp
Classification: Uncertain significance for Myopathy, proximal, and ophthalmoplegia. Last evaluated: 2025-12-12. Review status: criteria provided, single submitter. Criteria: Invitae Variant Classification Sherloc (09022015). Collection method: clinical testing. Allele origin: germline.
Comment: This sequence change replaces valine, which is neutral and non-polar, with leucine, which is neutral and non-polar, at codon 1023 of the MYH2 protein (p.Val1023Leu). This variant is present in population databases (rs201925793, gnomAD 0.03%). This variant has not been reported in the literature in individuals affected with MYH2-related conditions. ClinVar contains an entry for this variant (Variation ID: 465932). Invitae Evidence Modeling of protein sequence and biophysical properties (such as structural, functional, and spatial information, amino acid conservation, physicochemical variation, residue mobility, and thermodynamic stability) indicates that this missense variant is not expected to disrupt MYH2 protein function with a negative predictive value of 80%. In summary, the available evidence is currently insufficient to determine the role of this variant in disease. Therefore, it has been classified as a Variant of Uncertain Significance.

Mayo Clinic Laboratories, Mayo Clinic
Classification: Uncertain significance. Last evaluated: 2025-03-03. Review status: criteria provided, single submitter. Criteria: ACMG Guidelines, 2015. Collection method: clinical testing. Allele origin: germline. Observed: 1 variant allele.

Revvity Omics, Revvity
Classification: Uncertain significance for Myopathy, proximal, and ophthalmoplegia. Last evaluated: 2024-05-22. Review status: criteria provided, single submitter. Criteria: ACMG Guidelines, 2015. Collection method: clinical testing. Allele origin: germline.

Ambry Genetics
Classification: Uncertain significance for Inborn genetic diseases. Last evaluated: 2021-10-12. Review status: criteria provided, single submitter. Criteria: Ambry Variant Classification Scheme 2023. Collection method: clinical testing. Allele origin: germline.

Breakthrough Genomics
Classification: Uncertain significance. Review status: criteria provided, single submitter. Criteria: ACMG Guidelines, 2015. Collection method: not provided. Allele origin: germline. Inheritance: Autosomal recessive inheritance. Affected: yes.

NM_017534.6(MYH2):c.3067G>C (p.Val1023Leu)

Genes: MYHAS (myosin heavy chain gene cluster antisense RNA; plus strand), MYH2 (myosin heavy chain 2; minus strand). Cytogenetic location: 17p13.1.
Variant type: single nucleotide variant.
Coding change: c.3067G>C on transcript NM_017534.6 (MANE Select); coding-DNA position 3067, G replaced by C.
Protein change: p.Val1023Leu; replaces valine 1023 with leucine.
Molecular consequence: missense variant.
Genome position (GRCh38, 1-based): chr17:10,529,614, C>G on the plus strand (G>C on the coding strand, the complement: MYH2 is on the minus strand). VCF-style: chr17-10529614-C-G. GRCh37 (hg19) VCF-style: chr17-10432931-C-G.
Other names: p.Val1023Leu; c.3067G>C, p.Val1023Leu (NM_001100112.2); short protein forms V1023L.
Identifiers: ClinVar variation 465932 (VCV000465932.14), dbSNP rs201925793, ClinGen allele CA8391012.